The following is an entry in ClinVar:

NM_005629.4(SLC6A8):c.463G>A (p.Gly155Ser)

Gene: SLC6A8 (solute carrier family 6 member 8; plus strand). Cytogenetic location: Xq28.
Variant type: single nucleotide variant.
Coding change: c.463G>A on transcript NM_005629.4 (MANE Select); coding-DNA position 463, G replaced by A.
Protein change: p.Gly155Ser; replaces glycine 155 with serine.
Molecular consequence: missense variant.
Genome position (GRCh38, 1-based): chrX:153,691,372, G>A. VCF-style: chrX-153691372-G-A. GRCh37 (hg19) VCF-style: chrX-152956827-G-A.
Other names: NM_005629.4(SLC6A8):c.463G>A; p.Gly155Ser; c.463G>A, p.Gly155Ser (NM_001142805.2); c.118G>A, p.Gly40Ser (NM_001142806.1); short protein forms G40S, G155S.
Identifiers: ClinVar variation 652028 (VCV000652028.10), dbSNP rs782174461, ClinGen allele CA10549199.

ClinVar aggregate classification (germline): Uncertain significance. Review status: reviewed by expert panel (3 of 4 stars). 2 submissions from 2 submitters: Uncertain significance (1). 1 of the submissions does not count toward it. Last evaluated 2026-04-28.

Conditions:
Creatine transporter deficiency (CCDS1). Also called: Mental retardation , X-linked with seizures, short stature and midface hypoplasia; Mental retardation , X-linked, with creatine transport deficiency; X-linked creatine transporter deficiency; X-linked creatine deficiency syndrome; SLC6A8-Related Creatine Transporter Deficiency; CREATINE TRANSPORTER DEFECT. Identifiers: Orphanet 52503, MedGen C1845862, MONDO:0010305, OMIM 300352.

Allele frequency attached by ClinVar (database versions not stated): gnomAD exomes below 0.00001 and 0.00001; ExAC 0.00001.
gnomAD v4.1: 4 of 1,209,245 alleles (0.00033%); highest among the groups gnomAD compares: Non-Finnish European, 0.00045%; no homozygotes.

Submissions (2):

ClinGen Cerebral Creatine Deficiency Syndromes Variant Curation Expert Panel, ClinGen
Classification: Uncertain significance for Creatine transporter deficiency. Last evaluated: 2026-04-28. Review status: reviewed by expert panel. Criteria: ClinGen_CCDS_ACMG_Specifications_SLC6A8_v1.1. Collection method: curation. Allele origin: germline. Inheritance: X-linked inheritance.
Comment: The NM_005629.4:c.463G>A variant in SLC6A8 is a missense variant predicted to result in the substitution of glycerin by serine at amino acid 155 (p.Gly155Ser). In gnomAD v4.1.0, the highest population minor allele frequency is 0.0000045 (4/893382 alleles) in the European non-Finnish population and there is one hemizygote total (no population codes are met). The computational predictor REVEL gives a score of 0.245 which is neither above the threshold predicting a damaging (>0.75) impact on SLC6A8 function, or below the threshold predicting a benign impact (<0.2), such that neither PP3 nor BP4 is met. To our knowledge, this variant has not been reported in the literature in any patient with creatine transporter deficiency. There is a ClinVar entry for this variant (Variation ID: 652028). In summary, this variant meets the criteria to be classified as a variant of uncertain significance for creatine transporter deficiency based on the ACMG/AMP criteria applied, as specified by the ClinGen Cerebral Creatine Deficiency Syndromes Variant Curation Expert Panel (Specifications Version 1.2.0): no criteria met. (Classification approved by the ClinGen Cerebral Creatine Deficiency Syndromes Variant Curation Expert Panel on April 28, 2026)

Labcorp Genetics (formerly Invitae), Labcorp
Classification: Uncertain significance for Creatine transporter deficiency. Last evaluated: 2018-08-14. Review status: criteria provided, single submitter. Criteria: Invitae Variant Classification Sherloc (09022015). Collection method: clinical testing. Allele origin: germline. Not counted in ClinVar's aggregate classification.
Comment: This sequence change replaces glycine with serine at codon 155 of the SLC6A8 protein (p.Gly155Ser). The glycine residue is weakly conserved and there is a small physicochemical difference between glycine and serine. The frequency data for this variant in the population databases is considered unreliable, as metrics indicate poor data quality at this position in the ExAC database. This variant has not been reported in the literature in individuals with SLC6A8-related disease. Algorithms developed to predict the effect of missense changes on protein structure and function are either unavailable or do not agree on the potential impact of this missense change (SIFT: "Deleterious"; PolyPhen-2: "Benign"; Align-GVGD: "Class C0"). In summary, the available evidence is currently insufficient to determine the role of this variant in disease. Therefore, it has been classified as a Variant of Uncertain Significance.